The following continues an entry in ClinVar:

NM_000466.3(PEX1):c.2097dup (p.Ile700fs)

Gene: PEX1. ClinVar aggregate classification (germline): Pathogenic. Pathogenic (33).

Submissions 11 to 27 of 45:

Rady Children's Institute for Genomic Medicine, Rady Children's Hospital San Diego
Classification: Pathogenic for PEX1-RELATED DISORDERS. Last evaluated: 2024-09-19. Review status: criteria provided, single submitter. Criteria: ACMG Guidelines, 2015. Collection method: clinical testing. Allele origin: germline. Affected: yes.
Comment: This variant is also referred to as c.2098insT and I700Yfs*42 in the literature. This frameshifting variant in exon 13 of 24 introduces a premature stop codon and is predicted to result in loss of normal protein function through protein truncation or nonsense-mediated mRNA decay (NMD). This variant has been previously reported in the homozygous and compound heterozygous state in multiple individuals with Zellweger spectrum disorder (PMID: 10447258). This variant has been frequently reported in PEX1-deficient individuals (PMID: 17055079). Functional studies showed that this variant results in decreased mRNA levels and loss of protein function (PMID: 10447258). Loss-of-function variation in PEX1 is an established mechanism of disease (PMID: 9398847, 16086329, 16141001, 21031596, 26387595, 31831025). It is present in the heterozygous state in the gnomAD population database at a frequency of 0.08% (1260/1613750). Based on the available evidence, the c.2097dupT (p.Ile700TyrfsTer42) variant is classified as Pathogenic.

Ambry Genetics
Classification: Pathogenic for Inborn genetic diseases. Last evaluated: 2024-07-18. Review status: criteria provided, single submitter. Criteria: Ambry Variant Classification Scheme 2023. Collection method: clinical testing. Allele origin: germline.
Comment: The c.2097dupT (p.I700Yfs*42) alteration, located in exon 13 (coding exon 13) of the PEX1 gene, consists of a duplication of T at position 2097, causing a translational frameshift with a predicted alternate stop codon after 42 amino acids. This alteration is expected to result in loss of function by premature protein truncation or nonsense-mediated mRNA decay. Based on data from gnomAD, the TT allele has an overall frequency of 0.05% (137/282532) total alleles studied. The highest observed frequency was 0.09% (119/128972) of European (non-Finnish) alleles. This mutation is common and has been reported in the homozygous and compound heterozygous state in numerous individuals with PEX1-related peroxisome biogenesis spectrum disorders (Collins, 1999; Steinberg, 2004; Rosewich, 2005; Ebberink, 2011). Based on the available evidence, this alteration is classified as pathogenic.

Fulgent Genetics
Classification: Pathogenic for Peroxisome biogenesis disorder 1A (Zellweger); Heimler syndrome 1; Peroxisome biogenesis disorder 1B. Last evaluated: 2024-05-14. Review status: criteria provided, single submitter. Criteria: ACMG Guidelines, 2015. Collection method: clinical testing. Allele origin: germline.

Baylor Genetics
Classification: Pathogenic for Heimler syndrome 1. Last evaluated: 2024-03-30. Review status: criteria provided, single submitter. Criteria: ACMG Guidelines, 2015. Collection method: clinical testing. Allele origin: unknown.

Johns Hopkins Genomics, Johns Hopkins University
Classification: Pathogenic for Peroxisome biogenesis disorder 1A (Zellweger). Last evaluated: 2022-11-22. Review status: criteria provided, single submitter. Criteria: ACMG Guidelines, 2015. Collection method: clinical testing. Allele origin: germline.
Comment: c.2097dupT in PEX1 has been reported in multiple individuals affected with Zellweger spectrum disorder. This variant (rs61750415) has been reported in ClinVar (variation ID 7519), and is rare (<0.1%) in a large population dataset (gnomAD: 137/282532 total alleles; 0.0485%; no homozygotes). This frameshift variant results in a premature stop codon in exon 13 of 24, likely leading to nonsense-mediated decay and lack of protein production and has supporting functional evidence. We consider c.2097dupT;p.Ile700fs in PEX1 to be pathogenic.

CENTOGENE GmbH and LLC - Guiding Precision Medicine
Classification: Pathogenic for Peroxisome biogenesis disorder 1B. Last evaluated: 2022-09-07. Review status: criteria provided, single submitter. Criteria: ACMG Guidelines, 2015. Collection method: clinical testing. Allele origin: germline. Affected: yes.

GeneDx
Classification: Pathogenic. Last evaluated: 2022-06-09. Review status: criteria provided, single submitter. Criteria: GeneDx Variant Classification Process June 2021. Collection method: clinical testing. Allele origin: germline. Affected: yes.
Comment: Complementation studies found that this variant results in no functional complementation while control PEX1 cDNA rescued the impaired peroxisome biogenesis in patient cells (Ratbi et al., 2015); Frameshift variant predicted to result in protein truncation or nonsense mediated decay in a gene for which loss-of-function is a known mechanism of disease; This variant is associated with the following publications: (PMID: 28468868, 30266093, 29419819, 10447258, 20952722, 26387595, 12402331, 26643206, 26287655, 29377746, 29431110, 29261186, 30487145, 31150129, 31831025, 31054281, 30577886, 32627857, 32866347, 31980526, 31216405, 31589614, 31884617, 20301621)

Greenwood Genetic Center Diagnostic Laboratories, Greenwood Genetic Center
Classification: Pathogenic for Peroxisome biogenesis disorder 1A (Zellweger). Last evaluated: 2021-09-20. Review status: criteria provided, single submitter. Criteria: ACMG Guidelines, 2015. Collection method: clinical testing. Allele origin: germline. Affected: yes.
Comment: PVS1, PS3, PM2

Athena Diagnostics
Classification: Pathogenic. Last evaluated: 2021-09-03. Review status: criteria provided, single submitter. Criteria: Athena Diagnostics Criteria. Collection method: clinical testing. Allele origin: unknown.
Comment: This variant is expected to result in the loss of a functional protein. This variant has been identified as homozygous or compound heterozygous in multiple individuals with clinical features associated with this gene and appears to segregate with disease in at least one family (PMID: 20952722, 31150129, 29377746, 30577886, 16141001, 15542397, 12032265, 11389485, 10480353, 28468868, 26387595, 26287655, 26643206, 10447258). The frequency of this variant in the general population is consistent with pathogenicity.This observation is not an independent occurrence and has been identified in the same individual by RCIGM, the other laboratory participating in the GEMINI study.

Institute of Human Genetics Munich, TUM University Hospital
Classification: Pathogenic for Peroxisome biogenesis disorder 1A (Zellweger). Last evaluated: 2021-07-27. Review status: criteria provided, single submitter. Criteria: Classification criteria August 2017. Collection method: clinical testing. Allele origin: inherited. Inheritance: Autosomal recessive inheritance. Affected: yes. Observed: 1 variant allele.

Mayo Clinic Laboratories, Mayo Clinic
Classification: Pathogenic. Last evaluated: 2021-07-14. Review status: criteria provided, single submitter. Criteria: ACMG Guidelines, 2015. Collection method: clinical testing. Allele origin: germline.
Comment: PVS1, PS3, PS4_moderate

Elsea Laboratory, Baylor College of Medicine
Classification: Pathogenic for Heimler syndrome 1; Peroxisome biogenesis disorder 1A (Zellweger); Peroxisome biogenesis disorder 1B. Last evaluated: 2020-04-01. Review status: criteria provided, single submitter. Criteria: ACMG Guidelines, 2015. Collection method: clinical testing. Allele origin: maternal. Affected: no.

Myriad Genetics, Inc.
Classification: Pathogenic for Peroxisome biogenesis disorder 1A (Zellweger). Last evaluated: 2019-12-04. Review status: criteria provided, single submitter. Criteria: Myriad Women's Health Autosomal Recessive and X-Linked Classification Criteria (2019). Collection method: clinical testing. Allele origin: unknown.
Comment: NM_000466.2(PEX1):c.2097dupT(aka I700Yfs*42) is classified as pathogenic in the context of peroxisome biogenesis disorder type 1. Sources cited for classification include the following: PMID 12402331, 15098231, 20952722, 21031596, 10447258 and 16141001. Classification of NM_000466.2(PEX1):c.2097dupT(aka I700Yfs*42) is based on the following criteria: The variant causes a premature termination codon that is expected to be targeted by nonsense-mediated mRNA decay and is reported in individuals with the relevant phenotype. Please note: this variant was assessed in the context of healthy population screening.â€šÃ„Ã¶âˆšÃ‘âˆšÂ£

Rady Children's Institute for Genomic Medicine, Rady Children's Hospital San Diego
Classification: Pathogenic for PEROXISOME BIOGENESIS DISORDER 1B. Last evaluated: 2018-08-28. Review status: criteria provided, single submitter. Criteria: ACMG Guidelines, 2015. Collection method: clinical testing. Allele origin: germline. Affected: yes. Observed: 1 variant allele.
Comment: This frameshifting variant in exon 13 of 24 introduces a premature stop codon and is therefore predicted to result in loss of normal protein function. This variant has been previously reported as a homozygous or compound heterozygous change in multiple patients with Zellweger spectrum disorders (PMID: 10447258). This variant is commonly observed in affected individuals with an estimated allele frequency of 0.35 among PEX1-deficient patients (PMID: 17055079). Functional studies confirm this variant results in decreased mRNA levels and loss of protein function (PMID: 10447258). It is present in the heterozygous state in the gnomAD population database at a frequency of 0.05 % (139/276872) and thus is presumed to be rare. Based on the available evidence, the c.2097dupT (p.Ile700TyrfsTer42) variant is classified as pathogenic.

Baylor Genetics
Classification: Pathogenic for Heimler syndrome 1; Peroxisome biogenesis disorder 1A (Zellweger); Peroxisome biogenesis disorder 1B. Last evaluated: 2017-12-31. Review status: criteria provided, single submitter. Criteria: ACMG Guidelines, 2015. Collection method: clinical testing. Allele origin: germline. Affected: yes.

Women's Health and Genetics/Laboratory Corporation of America, LabCorp
Classification: Pathogenic for Peroxisome biogenesis disorder. Last evaluated: 2017-05-15. Review status: criteria provided, single submitter. Criteria: LabCorp Variant Classification Summary - May 2015. Collection method: clinical testing. Allele origin: germline.
Comment: Variant summary: The PEX1 c.2097dupT (p.Ile700Tyrfs) variant results in a premature termination codon, predicted to cause a truncated or absent PEX1 protein due to nonsense mediated decay, which are commonly known mechanisms for disease. This variant was found in 77/120218 control chromosomes at a frequency of 0.0006405, which does not exceed the estimated maximal expected allele frequency of a pathogenic PEX1 variant (0.003873). The variant of interest is a common mutation that has been reported in multiple ZS affected homozygous and compound heterozygous individuals. Functional studies show that the variant results in the loss of protein function (Collins_1998). In addition, multiple clinical diagnostic laboratories/reputable databases classified this variant as pathogenic. Taken together, this variant is classified as pathogenic.

Center for Pediatric Genomic Medicine, Children's Mercy Hospital and Clinics
Classification: Pathogenic. Last evaluated: 2017-05-12. Review status: criteria provided, single submitter. Criteria: ACMG Guidelines, 2015. Collection method: clinical testing. Allele origin: germline.